The following is an entry in ClinVar:

ClinVar aggregate classification (germline): Uncertain significance (1 of 4 stars; one submission).

Submission:

Ambry Genetics
Classification: Uncertain significance. Last evaluated: 2023-03-11. Review status: criteria provided, single submitter. Criteria: Ambry Variant Classification Scheme 2023. Collection method: clinical testing. Allele origin: germline.
Comment: The p.R44G variant (also known as c.130A>G), located in coding exon 1 of the MLH3 gene, results from an A to G substitution at nucleotide position 130. The arginine at codon 44 is replaced by glycine, an amino acid with dissimilar properties. This amino acid position is conserved. In addition, this alteration is predicted to be deleterious by in silico analysis. Since supporting evidence is limited at this time, the clinical significance of this alteration remains unclear.

NM_001040108.2(MLH3):c.130A>G (p.Arg44Gly)

Gene: MLH3 (mutL homolog 3; minus strand). Cytogenetic location: 14q24.3.
Variant type: single nucleotide variant.
Coding change: c.130A>G on transcript NM_001040108.2 (MANE Select); coding-DNA position 130, A replaced by G.
Protein change: p.Arg44Gly; replaces arginine 44 with glycine.
Molecular consequence: missense variant.
Genome position (GRCh38, 1-based): chr14:75,049,526, T>C on the plus strand (A>G on the coding strand, the complement: MLH3 is on the minus strand). VCF-style: chr14-75049526-T-C. GRCh37 (hg19) VCF-style: chr14-75516229-T-C.
Other names: c.130A>G, p.Arg44Gly (NM_014381.3); short protein forms R44G.
Identifiers: ClinVar variation 2497082 (VCV002497082.2), dbSNP rs2503336378, ClinGen allele CA390451522.